The following is an entry in ClinVar:

NM_182641.4(BPTF):c.8592G>A (p.Thr2864=)

Gene: BPTF (bromodomain PHD finger transcription factor; plus strand). Cytogenetic location: 17q24.2.
Variant type: single nucleotide variant.
Coding change: c.8592G>A on transcript NM_182641.4 (MANE Select); coding-DNA position 8592, G replaced by A.
Protein change: p.Thr2864=; no amino-acid change (threonine 2864 retained).
Molecular consequence: synonymous variant.
Genome position (GRCh38, 1-based): chr17:67,975,824, G>A. VCF-style: chr17-67975824-G-A. GRCh37 (hg19) VCF-style: chr17-65971940-G-A.
Other names: c.8781G>A, p.Thr2927= (NM_001439139.1); c.8715G>A, p.Thr2905= (NM_001439140.1); c.8688G>A, p.Thr2896= (NM_001439141.1); c.8541G>A, p.Thr2847= (NM_001439142.1, NM_004459.7); c.8352G>A, p.Thr2784= (NM_001439143.1, NM_001439144.1).
Identifiers: ClinVar variation 5038692 (VCV005038692.1).

ClinVar aggregate classification (germline): Likely benign (1 of 4 stars; one submission).

gnomAD v4.1: 19 of 1,613,888 alleles (0.0012%); highest among the groups gnomAD compares: South Asian, 0.0055%; no homozygotes.

Submission:

CeGaT Center for Human Genetics Tuebingen
Classification: Likely benign. Last evaluated: 2026-08-01. Review status: criteria provided, single submitter. Criteria: CeGaT Center For Human Genetics Tuebingen Variant Classification Criteria Version 2. Collection method: clinical testing. Allele origin: germline. Affected: yes. Observed: 1 variant allele.
Comment: BPTF: BP4, BP7